The following is an entry in ClinVar:

NM_000038.6(APC):c.7504G>A (p.Gly2502Ser)

Gene: APC (APC regulator of Wnt signaling pathway; plus strand). Cytogenetic location: 5q22.2.
Variant type: single nucleotide variant.
Coding change: c.7504G>A on transcript NM_000038.6 (MANE Select); coding-DNA position 7504, G replaced by A.
Protein change: p.Gly2502Ser; replaces glycine 2502 with serine.
Molecular consequence: missense variant.
Genome position (GRCh38, 1-based): chr5:112,843,098, G>A. VCF-style: chr5-112843098-G-A. GRCh37 (hg19) VCF-style: chr5-112178795-G-A.
Other names: p.G2502S:GGT>AGT; CCDS4107.1:c.7504G>A; c.7504G>A, p.Gly2502Ser (NM_001127510.3, NM_001354895.2, LRG_130t1); c.7450G>A, p.Gly2484Ser (NM_001127511.3); c.7558G>A, p.Gly2520Ser (NM_001354896.2); c.7534G>A, p.Gly2512Ser (NM_001354897.2); c.7429G>A, p.Gly2477Ser (NM_001354898.2); c.7420G>A, p.Gly2474Ser (NM_001354899.2); and 7 more; short protein forms G2502S, G2484S, G2411S, G2376S, G2461S, G2520S, G2401S, G2443S.
Identifiers: ClinVar variation 41514 (VCV000041514.84), dbSNP rs2229995, ClinGen allele CA013731.

ClinVar aggregate classification (germline): Benign/Likely benign. Review status: criteria provided, multiple submitters, no conflicts (2 of 4 stars). 25 submissions from 25 submitters: Benign (15); Likely benign (1). 9 of the submissions do not count toward it. Last evaluated 2026-09-01.

Conditions:
APC-Associated Polyposis Disorders.
Hereditary cancer-predisposing syndrome. Also called: Neoplastic Syndromes, Hereditary; Tumor predisposition; Hereditary Cancer Syndrome; Hereditary neoplastic syndrome. Identifiers: Orphanet 140162, MedGen C0027672, MeSH D009386, MONDO:0015356.
Familial multiple polyposis syndrome (FAP). Also called: Familial polyposis; Familial adenomatous polyposis; Familial intestinal polyposis; Familial Adenomatous Polyposis (FAP); Classic familial adenomatous polyposis. Identifiers: Orphanet 733, MedGen C0032580, MONDO:0021055. Disease mechanism: loss of function.
Familial adenomatous polyposis 1 (FAP1). Also called: POLYPOSIS, ADENOMATOUS INTESTINAL; FAMILIAL ADENOMATOUS POLYPOSIS 1, ATTENUATED. Identifiers: MedGen C2713442, MONDO:0021056, OMIM 175100. Disease mechanism: loss of function.
Carcinoma of colon (CRC). Also called: Colon carcinoma; Colonic carcinoma. Identifiers: MedGen C0699790, MONDO:0002032.

Allele frequency attached by ClinVar (database versions not stated): 1000 Genomes Project 30x 0.00843; ESP Exome Variant Server 0.01453; gnomAD exomes 0.02025 and 0.01970; gnomAD 0.01693 and 0.01700; 1000 Genomes Project 0.00839; TOPMed 0.01367; ExAC 0.01986.
gnomAD v4.1: 32,195 of 1,613,962 alleles (2%); highest among the groups gnomAD compares: South Asian, 2.6%; 412 homozygotes.

Submissions (25):

CeGaT Center for Human Genetics Tuebingen
Classification: Benign. Last evaluated: 2026-09-01. Review status: criteria provided, single submitter. Criteria: CeGaT Center For Human Genetics Tuebingen Variant Classification Criteria Version 2. Collection method: clinical testing. Allele origin: germline. Affected: yes. Observed: 324 variant alleles.
Comment: APC: BP4, BS1, BS2

Labcorp Genetics (formerly Invitae), Labcorp
Classification: Benign for Familial adenomatous polyposis 1. Last evaluated: 2026-02-04. Review status: criteria provided, single submitter. Criteria: Invitae Variant Classification Sherloc (09022015). Collection method: clinical testing. Allele origin: germline.

ARUP Laboratories, Molecular Genetics and Genomics, ARUP Laboratories
Classification: Benign. Last evaluated: 2025-07-21. Review status: criteria provided, single submitter. Criteria: ARUP Molecular Germline Variant Investigation Process 2024. Collection method: clinical testing. Allele origin: germline.

Center for Genomic Medicine, Rigshospitalet, Copenhagen University Hospital
Classification: Benign. Last evaluated: 2025-03-04. Review status: criteria provided, single submitter. Criteria: ACMG Guidelines, 2015. Collection method: clinical testing. Allele origin: germline.

Blueprint Genetics
Classification: Likely benign. Last evaluated: 2024-11-26. Review status: criteria provided, single submitter. Criteria: ACMG Guidelines, 2015. Collection method: clinical testing. Allele origin: germline.

Myriad Genetics, Inc.
Classification: Benign for Familial adenomatous polyposis 1. Last evaluated: 2024-04-10. Review status: criteria provided, single submitter. Criteria: Myriad Autosomal Dominant, Autosomal Recessive and X-Linked Classification Criteria (2023). Collection method: clinical testing. Allele origin: unknown.
Comment: This variant is considered benign. This variant has been observed at a population frequency that is significantly greater than expected given the associated disease prevalence and penetrance.

KCCC/NGS Laboratory, Kuwait Cancer Control Center
Classification: Benign for Familial adenomatous polyposis 1. Last evaluated: 2023-07-07. Review status: criteria provided, single submitter. Criteria: ACMG Guidelines, 2015. Collection method: clinical testing. Allele origin: germline. Affected: yes.

Institute for Biomarker Research, Medical Diagnostic Laboratories, L.L.C.
Classification: Benign for Hereditary cancer-predisposing syndrome. Last evaluated: 2022-09-08. Review status: criteria provided, single submitter. Criteria: ACMG Guidelines, 2015. Collection method: clinical testing. Allele origin: germline.

Sema4
Classification: Benign for Hereditary cancer-predisposing syndrome. Last evaluated: 2020-03-20. Review status: criteria provided, single submitter. Criteria: Sema4 Curation Guidelines. Collection method: curation. Allele origin: germline.

Illumina Laboratory Services, Illumina
Classification: Benign for APC-Associated Polyposis Disorders. Last evaluated: 2018-01-13. Review status: criteria provided, single submitter. Criteria: ICSL Variant Classification Criteria 13 December 2019. Collection method: clinical testing. Allele origin: germline.
Comment: This variant was observed in the ICSL laboratory as part of a predisposition screen in an ostensibly healthy population. It had not been previously curated by ICSL or reported in the Human Gene Mutation Database (HGMD: prior to June 1st, 2018), and was therefore a candidate for classification through an automated scoring system. Utilizing variant allele frequency, disease prevalence and penetrance estimates, and inheritance mode, an automated score was calculated to assess if this variant is too frequent to cause the disease. Based on the score and internal cut-off values, a variant classified as benign is not then subjected to further curation. The score for this variant resulted in a classification of benign for this disease.

Genomic Diagnostic Laboratory, Division of Genomic Diagnostics, Children's Hospital of Philadelphia
Classification: Benign for Adenomatous polyposis coli. Last evaluated: 2015-08-07. Review status: criteria provided, single submitter. Criteria: DGD Variant Analysis Guidelines. Collection method: clinical testing. Allele origin: unknown.

Color Diagnostics, LLC DBA Color Health
Classification: Benign for Hereditary cancer-predisposing syndrome. Last evaluated: 2015-03-27. Review status: criteria provided, single submitter. Criteria: ACMG Guidelines, 2015. Collection method: clinical testing. Allele origin: germline.

Ambry Genetics
Classification: Benign for Hereditary cancer-predisposing syndrome. Last evaluated: 2014-11-18. Review status: criteria provided, single submitter. Criteria: Ambry Variant Classification Scheme 2023. Collection method: clinical testing. Allele origin: germline.

GeneDx
Classification: Benign. Last evaluated: 2013-10-14. Review status: criteria provided, single submitter. Criteria: GeneDx Variant Classification (06012015). Collection method: clinical testing. Allele origin: germline. Affected: yes.
Comment: This variant is considered likely benign or benign based on one or more of the following criteria: it is a conservative change, it occurs at a poorly conserved position in the protein, it is predicted to be benign by multiple in silico algorithms, and/or has population frequency not consistent with disease.

Eurofins Ntd Llc (ga)
Classification: Benign. Last evaluated: 2012-08-22. Review status: criteria provided, single submitter. Criteria: EGL Classification Definitions 2015. Collection method: clinical testing. Allele origin: germline. Observed: 2 variant alleles, 2 heterozygotes.

PreventionGenetics, part of Exact Sciences
Classification: Benign. Review status: criteria provided, single submitter. Criteria: ACMG Guidelines, 2015. Collection method: clinical testing. Allele origin: germline.

True Health Diagnostics
Classification: Benign for Hereditary cancer-predisposing syndrome. Last evaluated: 2017-10-10. Review status: no assertion criteria provided. Collection method: clinical testing. Allele origin: germline. Not counted in ClinVar's aggregate classification.

ITMI
No classification provided. Condition: AllHighlyPenetrant. Last evaluated: 2013-09-19. Review status: no classification provided. Collection method: reference population. Allele origin: germline. Not counted in ClinVar's aggregate classification.
Comment: Please see associated publication for description of ethnicities

Biesecker Lab/Clinical Genomics Section, National Institutes of Health
Classification: Benign. Last evaluated: 2012-07-13. Review status: no assertion criteria provided. Collection method: research. Allele origin: germline. Affected: no. Observed: 26 variant alleles. Study: ClinSeq. Not counted in ClinVar's aggregate classification.
ClinVar note: Converted during submission from no known pathogenicity to Benign.

Clinical Genetics DNA and cytogenetics Diagnostics Lab, Erasmus MC, Erasmus Medical Center
Classification: Benign. Review status: no assertion criteria provided. Collection method: clinical testing. Allele origin: germline. Affected: yes. Study: VKGL Data-share Consensus. Not counted in ClinVar's aggregate classification.

Department of Pathology and Laboratory Medicine, Sinai Health System
Classification: Benign for Carcinoma of colon. Review status: no assertion criteria provided. Collection method: clinical testing. Allele origin: unknown. Affected: yes. Study: The Canadian Open Genetics Repository (COGR). Not counted in ClinVar's aggregate classification.
Comment: The p.Gly2502Ser variant was previously identified in the literature in 138 of 6866 proband chromosomes (frequency 0.020) from individuals with adenoma or colorectal cancer and in 157 of 8192 control chromosomes (frequency 0.019) from healthy individuals (Cleary 2008, Hadjisavvas 2006, Miyoshi 1992, Scott 2004, Tranah 2005, Wong 2010, Zhou 2004). This variant was also identified in the dbSNP (ID#rs2229995), HGMD, and LOVD databases, and was reported in several populations including the ESP Project with a frequency of 0.020 in European American alleles, the 1000 Genomes Project with a frequency of 0.010, and HapMap-CEU with a frequency of 0.032. The p.Gly2502 residue is not conserved through evolution and the variant (Ser) is found at this position in chicken and fruitfly, increasing the likelihood that this is a benign variant. In addition, Tranah (2005) found that this variant was not associated with risk of colorectal cancer or adenoma in men and women, and Zhou (2004) did not observe segregation of this variant with disease. In summary, based on the above information, this variant meets our laboratory's criteria to be classified as benign.

Genome Diagnostics Laboratory, Amsterdam University Medical Center
Classification: Benign. Review status: no assertion criteria provided. Collection method: clinical testing. Allele origin: germline. Affected: yes. Study: VKGL Data-share Consensus. Not counted in ClinVar's aggregate classification.

Joint Genome Diagnostic Labs from Nijmegen and Maastricht, Radboudumc and MUMC+
Classification: Benign. Review status: no assertion criteria provided. Collection method: clinical testing. Allele origin: germline. Affected: yes. Study: VKGL Data-share Consensus. Not counted in ClinVar's aggregate classification.

Laboratory of Diagnostic Genome Analysis, Leiden University Medical Center (LUMC)
Classification: Benign. Review status: no assertion criteria provided. Collection method: clinical testing. Allele origin: germline. Affected: yes. Study: VKGL Data-share Consensus. Not counted in ClinVar's aggregate classification.

Mayo Clinic Laboratories, Mayo Clinic
Classification: Benign. Review status: no assertion criteria provided. Collection method: clinical testing. Allele origin: unknown. Not counted in ClinVar's aggregate classification.

Literature cited by the submitters: PubMed 24728327 (cited by ITMI).